The following is an entry in ClinVar:

NM_004369.4(COL6A3):c.6270G>T (p.Gln2090His)

Gene: COL6A3 (collagen type VI alpha 3 chain; minus strand). Cytogenetic location: 2q37.3.
Variant type: single nucleotide variant.
Coding change: c.6270G>T on transcript NM_004369.4 (MANE Select); coding-DNA position 6270, G replaced by T.
Protein change: p.Gln2090His; replaces glutamine 2090 with histidine.
Molecular consequence: missense variant.
Genome position (GRCh38, 1-based): chr2:237,360,100, C>A on the plus strand (G>T on the coding strand, the complement: COL6A3 is on the minus strand). VCF-style: chr2-237360100-C-A. GRCh37 (hg19) VCF-style: chr2-238268743-C-A.
Other names: c.4449G>T, p.Gln1483His (NM_057166.5); c.5652G>T, p.Gln1884His (NM_057167.4); short protein forms Q1483H, Q1884H, Q2090H.
Identifiers: ClinVar variation 3051878 (VCV003051878.2), dbSNP rs778766709, ClinGen allele CA2188388.

ClinVar aggregate classification (germline): Uncertain significance (0 of 4 stars; one submission).

Conditions:
COL6A3-related disorder. Also called: COL6A3-related disorders; COL6A3-related condition.

Allele frequency attached by ClinVar (database versions not stated): gnomAD exomes 0.00001; gnomAD 0.00001; ExAC 0.00002; TOPMed 0.00001.
gnomAD v4.1: 5 of 1,614,082 alleles (0.00031%); highest among the groups gnomAD compares: Admixed American, 0.0083%; no homozygotes.

Submission:

PreventionGenetics, part of Exact Sciences
Classification: Uncertain significance for COL6A3-related condition. Last evaluated: 2024-01-30. Review status: no assertion criteria provided. Collection method: clinical testing. Allele origin: germline.
Comment: The COL6A3 c.6270G>T variant is predicted to result in the amino acid substitution p.Gln2090His. To our knowledge, this variant has not been reported in the literature. This variant is reported in 0.012% of alleles in individuals of Latino descent in gnomAD. At this time, the clinical significance of this variant is uncertain due to the absence of conclusive functional and genetic evidence.